The following is an entry in ClinVar:

NM_001378418.1(TCF20):c.2554T>C (p.Ser852Pro)

Gene: TCF20 (transcription factor 20; minus strand). Cytogenetic location: 22q13.2.
Variant type: single nucleotide variant.
Coding change: c.2554T>C on transcript NM_001378418.1 (MANE Select); coding-DNA position 2554, T replaced by C.
Protein change: p.Ser852Pro; replaces serine 852 with proline.
Molecular consequence: missense variant.
Genome position (GRCh38, 1-based): chr22:42,212,752, A>G on the plus strand (T>C on the coding strand, the complement: TCF20 is on the minus strand). VCF-style: chr22-42212752-A-G. GRCh37 (hg19) VCF-style: chr22-42608758-A-G.
Other names: c.2554T>C, p.Ser852Pro (NM_005650.4, NM_181492.3); short protein forms S852P.
Identifiers: ClinVar variation 5020446 (VCV005020446.1).

ClinVar aggregate classification (germline): Uncertain significance (1 of 4 stars; one submission).

gnomAD v4.1: 1 of 1,614,224 alleles (0.000062%); highest among the groups gnomAD compares: South Asian, 0.0011%; no homozygotes.

Submission:

Dasa
Classification: Uncertain significance. Last evaluated: 2026-06-01. Review status: criteria provided, single submitter. Criteria: DASA Assertion Criteria. Collection method: clinical testing. Allele origin: germline.
Comment: NM_001378418.1(TCF20):c.2554T>C (p.Ser852Pro) is a missense variant that results in the substitution of serine with proline. This variant is rare in population databases. The currently available literature and clinical evidence are not sufficient to establish a definitive association between this variant and the reported condition. Therefore, this variant is classified as a variant of uncertain significance.